The following is an entry in ClinVar:

ClinVar aggregate classification (germline): Uncertain significance (1 of 4 stars; one submission).

gnomAD v4.1: 1 of 1,592,104 alleles (0.000063%); no homozygotes.

Submission:

GeneDx
Classification: Uncertain significance. Last evaluated: 2025-06-17. Review status: criteria provided, single submitter. Criteria: GeneDx Variant Classification Process June 2021. Collection method: clinical testing. Allele origin: germline. Affected: yes.
Comment: Not observed at significant frequency in large population cohorts (gnomAD); In silico analysis suggests that this missense variant does not alter protein structure/function; Has not been previously published as pathogenic or benign to our knowledge

NM_033026.6(PCLO):c.1466C>T (p.Pro489Leu)

Gene: PCLO (piccolo presynaptic cytomatrix protein; minus strand). Cytogenetic location: 7q21.11.
Variant type: single nucleotide variant.
Coding change: c.1466C>T on transcript NM_033026.6 (MANE Select); coding-DNA position 1466, C replaced by T.
Protein change: p.Pro489Leu; replaces proline 489 with leucine.
Molecular consequence: missense variant.
Genome position (GRCh38, 1-based): chr7:83,155,175, G>A on the plus strand (C>T on the coding strand, the complement: PCLO is on the minus strand). VCF-style: chr7-83155175-G-A. GRCh37 (hg19) VCF-style: chr7-82784491-G-A.
Other names: c.1466C>T, p.Pro489Leu (NM_014510.3); short protein forms P489L.
Identifiers: ClinVar variation 4538587 (VCV004538587.1).